The following is an entry in ClinVar:

NM_005618.4(DLL1):c.1567C>G (p.Leu523Val)

Gene: DLL1 (delta like canonical Notch ligand 1; minus strand). Cytogenetic location: 6q27.
Variant type: single nucleotide variant.
Coding change: c.1567C>G on transcript NM_005618.4 (MANE Select); coding-DNA position 1567, C replaced by G.
Protein change: p.Leu523Val; replaces leucine 523 with valine.
Molecular consequence: missense variant.
Genome position (GRCh38, 1-based): chr6:170,283,712, G>C on the plus strand (C>G on the coding strand, the complement: DLL1 is on the minus strand). VCF-style: chr6-170283712-G-C. GRCh37 (hg19) VCF-style: chr6-170592800-G-C.
Other names: short protein forms L523V.
Identifiers: ClinVar variation 3630343 (VCV003630343.2).

ClinVar aggregate classification (germline): Uncertain significance (1 of 4 stars; one submission).

gnomAD v4.1: 1 of 1,551,308 alleles (0.000064%); no homozygotes.

Submission:

Labcorp Genetics (formerly Invitae), Labcorp
Classification: Uncertain significance. Last evaluated: 2024-10-08. Review status: criteria provided, single submitter. Criteria: Invitae Variant Classification Sherloc (09022015). Collection method: clinical testing. Allele origin: germline.
Comment: This sequence change replaces leucine, which is neutral and non-polar, with valine, which is neutral and non-polar, at codon 523 of the DLL1 protein (p.Leu523Val). This variant is not present in population databases (gnomAD no frequency). This variant has not been reported in the literature in individuals affected with DLL1-related conditions. An algorithm developed to predict the effect of missense changes on protein structure and function (PolyPhen-2) suggests that this variant is likely to be tolerated. In summary, the available evidence is currently insufficient to determine the role of this variant in disease. Therefore, it has been classified as a Variant of Uncertain Significance.